The following is an entry in ClinVar:

NM_003476.5(CSRP3):c.524dup (p.Asn175fs)

Gene: CSRP3 (cysteine and glycine rich protein 3; minus strand). Cytogenetic location: 11p15.1.
Variant type: Duplication.
Coding change: c.524dup on transcript NM_003476.5 (MANE Select); coding-DNA position 524, one base duplicated (A; older notation c.524dupA).
Protein change: p.Asn175fs; shifts the reading frame from asparagine 175.
Molecular consequence: frameshift variant.
Genome position (GRCh38, 1-based): chr11:19,182,731, T duplicated on the plus strand (A on the coding strand, the reverse complement: CSRP3 is on the minus strand); the first of 5 consecutive T bases (chr11:19,182,731-19,182,735); duplicating any one gives the same sequence. VCF-style (leftmost placement, unchanged base first): chr11-19182730-A-AT. GRCh37 (hg19) VCF-style: chr11-19204277-A-AT.
Other names: c.524dupA (NM_003476.4); c.355dup, p.Ile119fs (NM_001369404.1); short protein forms I119fs, N175fs.
Identifiers: ClinVar variation 476576 (VCV000476576.8), dbSNP rs1554967256, ClinGen allele CA658658033.

ClinVar aggregate classification (germline): Uncertain significance (1 of 4 stars; one submission).

Conditions:
Hypertrophic cardiomyopathy 12. Identifiers: MedGen C2677491, MONDO:0012804, OMIM 612124.
Dilated cardiomyopathy 1M (CMD1M). Identifiers: Orphanet 154, MedGen C1843808, MONDO:0011840, OMIM 607482.

Submission:

Labcorp Genetics (formerly Invitae), Labcorp
Classification: Uncertain significance for Hypertrophic cardiomyopathy 12; Dilated cardiomyopathy 1M. Last evaluated: 2017-06-05. Review status: criteria provided, single submitter. Criteria: Invitae Variant Classification Sherloc (09022015). Collection method: clinical testing. Allele origin: germline.
Comment: This sequence change results in a frameshift and extension of the CSRP3 protein by an additional 19 amino acids (p.Asn175Lysfs*39). While this is not anticipated to result in nonsense mediated decay, it is expected to disrupt the last 20 amino acids of the CSRP3 protein. Experimental studies and prediction algorithms are not available for this variant, and the functional significance of the disrupted amino acids is currently unknown. In summary, this variant has uncertain impact on CSRP3 function. The available evidence is currently insufficient to determine its role in disease. Therefore, it has been classified as a Variant of Uncertain Significance. This variant has not been reported in the literature in individuals with a CSRP3-related disease. This variant is not present in population databases (ExAC no frequency).